The following is an entry in ClinVar:

ClinVar aggregate classification (germline): Conflicting classifications of pathogenicity. Review status: criteria provided, conflicting classifications (1 of 4 stars). 4 submissions from 4 submitters: Uncertain significance (3); Likely benign (1). Last evaluated 2024-11-21.

Conditions:
Inborn genetic diseases. Identifiers: MedGen C0950123, MeSH D030342.
Peripheral neuropathy-myopathy-hoarseness-hearing loss syndrome. Identifiers: Orphanet 397744, MedGen C3280556, MONDO:0013711, OMIM 614369.
Autosomal dominant nonsyndromic hearing loss 4A. Also called: Deafness, autosomal dominant 4A. Identifiers: Orphanet 90635, MedGen C1833503, MONDO:0010915, OMIM 600652.

Allele frequency attached by ClinVar (database versions not stated): gnomAD 0.00011; gnomAD exomes 0.00012 and 0.00015; ExAC 0.00018; TOPMed 0.00009.
gnomAD v4.1: 175 of 1,572,110 alleles (0.011%); highest among the groups gnomAD compares: Middle Eastern, 0.038%; no homozygotes.

Submissions (4):

Ambry Genetics
Classification: Uncertain significance for Inborn genetic diseases. Last evaluated: 2024-11-21. Review status: criteria provided, single submitter. Criteria: Ambry Variant Classification Scheme 2023. Collection method: clinical testing. Allele origin: germline.

Labcorp Genetics (formerly Invitae), Labcorp
Classification: Likely benign. Last evaluated: 2024-10-23. Review status: criteria provided, single submitter. Criteria: Invitae Variant Classification Sherloc (09022015). Collection method: clinical testing. Allele origin: germline.

Fulgent Genetics
Classification: Uncertain significance for Autosomal dominant nonsyndromic hearing loss 4A; Peripheral neuropathy-myopathy-hoarseness-hearing loss syndrome. Last evaluated: 2022-03-22. Review status: criteria provided, single submitter. Criteria: ACMG Guidelines, 2015. Collection method: clinical testing. Allele origin: unknown.

Laboratory for Molecular Medicine, Mass General Brigham Personalized Medicine
Classification: Uncertain significance. Last evaluated: 2013-02-02. Review status: criteria provided, single submitter. Criteria: LMM Criteria. Collection method: clinical testing. Allele origin: germline. Observed: 1 variant allele.
Comment: The Arg1102Trp variant in MYH14 has not been reported in the literature nor prev iously identified by our laboratory. Computational analyses (biochemical amino a cid properties, conservation, AlignGVGD, PolyPhen2, and SIFT) do not provide str ong support for or against an impact to the protein. Additional data is needed t o determine the clinical significance of this variant.

NM_001145809.2(MYH14):c.3304C>T (p.Arg1102Trp)

Gene: MYH14 (myosin heavy chain 14; plus strand). Cytogenetic location: 19q13.33.
Variant type: single nucleotide variant.
Coding change: c.3304C>T on transcript NM_001145809.2 (MANE Select); coding-DNA position 3304, C replaced by T.
Protein change: p.Arg1102Trp; replaces arginine 1102 with tryptophan.
Molecular consequence: missense variant.
Genome position (GRCh38, 1-based): chr19:50,272,568, C>T. VCF-style: chr19-50272568-C-T. GRCh37 (hg19) VCF-style: chr19-50775825-C-T.
Other names: c.3205C>T, p.Arg1069Trp (NM_001077186.2); c.3181C>T, p.Arg1061Trp (NM_024729.4); short protein forms R1102W, R1069W, R1061W.
Identifiers: ClinVar variation 44064 (VCV000044064.10), dbSNP rs397516629, ClinGen allele CA133489.
Genomic context (GRCh38, chr19:50,272,568, plus strand): 5'-CTGAGTGTGCAGGCCTGGAGTCCTCATGCACGGCCCCCACCCCTGCCTCCAGACCGCCTA[C>T]GGAAGGAGGAGAAGGGTCGCCAGGAGCTGGAGAAGCTGAAGCGGAGGCTGGATGGGGAGA-3'
Protein context (NP_001139281.1, residues 1092-1112): ATIADMEDRL[Arg1102Trp]KEEKGRQELE